The following is an entry in ClinVar:

NM_001128840.3(CACNA1D):c.6192+8C>G

Gene: CACNA1D (calcium voltage-gated channel subunit alpha1 D; plus strand). Cytogenetic location: 3p21.1.
Variant type: single nucleotide variant.
Coding change: c.6192+8C>G on transcript NM_001128840.3 (MANE Select); 8 bases into the intron after coding-DNA position 6192, C replaced by G.
Molecular consequence: intron variant.
Genome position (GRCh38, 1-based): chr3:53,810,306, C>G. VCF-style: chr3-53810306-C-G. GRCh37 (hg19) VCF-style: chr3-53844333-C-G.
Other names: c.6120+8C>G (NM_001128839.3); c.6252+8C>G (NM_000720.4).
Identifiers: ClinVar variation 2846197 (VCV002846197.3), dbSNP rs574248949, ClinGen allele CA2666142237.
Genomic context (GRCh38, chr3:53,810,306, plus strand): 5'-TCCGGAACAAAAACAGCGACAAGCAGAGGAGTGCGGACAGCTTGGTGGAGGCAGTGAGTA[C>G]GGTTCTTGGCCGTGGTGGGCAGGAAGCACCAGGAGCAGCAGAGGTGCAACTGTAACAGCA-3'

ClinVar aggregate classification (germline): Uncertain significance (1 of 4 stars; one submission).

gnomAD v4.1: 1 of 1,612,972 alleles (0.000062%); highest among the groups gnomAD compares: Non-Finnish European, 0.000085%; no homozygotes.

Submission:

Labcorp Genetics (formerly Invitae), Labcorp
Classification: Uncertain significance. Last evaluated: 2023-03-16. Review status: criteria provided, single submitter. Criteria: Invitae Variant Classification Sherloc (09022015). Collection method: clinical testing. Allele origin: germline.
Comment: In summary, the available evidence is currently insufficient to determine the role of this variant in disease. Therefore, it has been classified as a Variant of Uncertain Significance. Algorithms developed to predict the effect of sequence changes on RNA splicing suggest that this variant may disrupt the consensus splice site. This variant has not been reported in the literature in individuals affected with CACNA1D-related conditions. This variant is not present in population databases (gnomAD no frequency). This sequence change falls in intron 48 of the CACNA1D gene. It does not directly change the encoded amino acid sequence of the CACNA1D protein.